The following is an entry in ClinVar:

NM_016034.5(MRPS2):c.43+4_43+7del

Gene: MRPS2 (mitochondrial ribosomal protein S2; plus strand). Cytogenetic location: 9q34.3.
Variant type: Deletion.
Coding change: c.43+4_43+7del on transcript NM_016034.5 (MANE Select); bases 4 to 7 of the intron after coding-DNA position 43, 4 bases deleted (AGCG; older notation c.43+4_43+7delAGCG).
Molecular consequence: intron variant.
Genome position (GRCh38, 1-based): chr9:135,500,757-135,500,760, AGCG deleted; deleting any 4 consecutive bases within chr9:135,500,756-135,500,760 gives the same sequence; the c. name uses the placement nearest the transcript's 3' end. VCF-style (leftmost placement, unchanged base first): chr9-135500755-TGAGC-T. GRCh37 (hg19) VCF-style: chr9-138392601-TGAGC-T.
Other names: c.43+4_43+7del (NM_001371401.1).
Identifiers: ClinVar variation 2981755 (VCV002981755.2), dbSNP rs779521059, ClinGen allele CA5323739.
Genomic context (GRCh38, chr9:135,500,755, plus strand): 5'-GCCCCGCGTCCCAGCCATGGCGACATCCTCGGCCGCGCTGCCCCGAATACTCGGCGCGGG[TGAGC>T]GCGCGCTTGCGGGACCCTGGGGAGGAGCATGCGAGGAGGATGCGGAGGGGCGCGGGGACC-3'

ClinVar aggregate classification (germline): Uncertain significance (1 of 4 stars; one submission).

Submission:

Labcorp Genetics (formerly Invitae), Labcorp
Classification: Uncertain significance. Last evaluated: 2023-12-11. Review status: criteria provided, single submitter. Criteria: Invitae Variant Classification Sherloc (09022015). Collection method: clinical testing. Allele origin: germline.
Comment: This sequence change falls in intron 1 of the MRPS2 gene. It does not directly change the encoded amino acid sequence of the MRPS2 protein. It affects a nucleotide within the consensus splice site. This variant is present in population databases (rs779521059, gnomAD 0.01%). This variant has not been reported in the literature in individuals affected with MRPS2-related conditions. Variants that disrupt the consensus splice site are a relatively common cause of aberrant splicing (PMID: 17576681, 9536098). Algorithms developed to predict the effect of sequence changes on RNA splicing suggest that this variant may disrupt the consensus splice site. In summary, the available evidence is currently insufficient to determine the role of this variant in disease. Therefore, it has been classified as a Variant of Uncertain Significance.

Literature cited by the submitters: PubMed 17576681; PubMed 9536098.